The following is an entry in ClinVar:

NM_001355436.2(SPTB):c.764-3C>G

Gene: SPTB (spectrin beta, erythrocytic; minus strand). Cytogenetic location: 14q23.3.
Variant type: single nucleotide variant.
Coding change: c.764-3C>G on transcript NM_001355436.2 (MANE Select); 3 bases into the intron before coding-DNA position 764, C replaced by G.
Molecular consequence: intron variant.
Genome position (GRCh38, 1-based): chr14:64,800,871, G>C on the plus strand (C>G on the coding strand, the complement: SPTB is on the minus strand). VCF-style: chr14-64800871-G-C. GRCh37 (hg19) VCF-style: chr14-65267589-G-C.
Other names: c.764-3C>G (NM_001024858.4, NM_001355437.2).
Identifiers: ClinVar variation 2690117 (VCV002690117.3), dbSNP rs2503204292, ClinGen allele CA2697554050.
Genomic context (GRCh38, chr14:64,800,871, plus strand): 5'-TAAAAGGCCACCACATAGGTGATGATGGATTTCTCATCAGGGTTTTCCGTAAAGACATCT[G>C]TTAGGGAAAAGGGTGTACTCTCAGGACCAAACTGGAAGTCGGGAAAGTCAGGCTCAGAGG-3'

ClinVar aggregate classification (germline): Conflicting classifications of pathogenicity. Review status: criteria provided, conflicting classifications (1 of 4 stars). 2 submissions from 2 submitters: Likely pathogenic (1); Uncertain significance (1). Last evaluated 2023-02-27.

Conditions:
Hereditary spherocytosis type 1. Also called: Spherocytosis type 1; ANK1-Related Spherocytosis. Identifiers: Orphanet 822, MedGen C2674218, MONDO:0008447, OMIM 182900.

Submissions (2):

Revvity Omics, Revvity
Classification: Uncertain significance. Last evaluated: 2023-02-27. Review status: criteria provided, single submitter. Criteria: ACMG Guidelines, 2015. Collection method: clinical testing. Allele origin: germline.

Center for Reproductive Medicine, Changhai Hospital, Naval Medical University
Classification: Likely pathogenic for Hereditary spherocytosis type 1. Review status: criteria provided, single submitter. Criteria: ACMG Guidelines, 2015. Collection method: clinical testing. Allele origin: maternal, de novo, paternal. Inheritance: Autosomal dominant inheritance. Affected: yes. Observed: 3 variant alleles, 3 heterozygotes.
Comment: This non-classical intronic near-splice-site variant (c.764-3C>G) in the SPTB gene is classified as Pathogenic based on strong functional data, de novo origin, and definitive three-generation clinical co-segregation (ACMG criteria: PS3 + PP1_Strong + PP3 + PM2_Supporting). 1. Functional Evidence (PS3): In vitro minigene splicing assays were comprehensively performed using two independent plasmid vector backbones (pcMINI-N and pcDNA3.1) in eukaryotic cells. Both systems yielded identical and highly consistent results, demonstrating that the c.764-3C>G variant completely disrupts normal mRNA splicing at the Intron 7/Exon 8 junction. The mutation triggers three severe aberrant splicing events: (1) a 96-bp retention of Intron 7, (2) a 34-bp retention of Intron 7, and (3) a complete skipping of Exon 8. These transcripts introduce premature termination codons or critical structural loss, leading to functional loss of beta-spectrin. 2. Definitive Three-Generation Co-segregation (PP1_Strong): Sanger sequencing confirmed that the variant co-segregates perfectly with the hereditary spherocytosis (HS) phenotype across three consecutive generations in this Chinese pedigree. 3. Splicing Prediction & Rareness (PP3 + PM2_Supporting): Bioinformatic tools predict that this alteration destroys the consensus acceptor site. The variant is absent in the gnomAD public control database. In conclusion, the robust combination of minigene functional validation and multi-generation severe phenotype co-segregation establishes a definitive molecular diagnosis. The high severity of neonatal symptoms in the third generation underscores the absolute clinical necessity for the family's ongoing PGT-M intervention to interrupt further intergenerational transmission.